The following is an entry in ClinVar:

ClinVar aggregate classification (germline): Pathogenic/Likely pathogenic. Review status: criteria provided, multiple submitters, no conflicts (2 of 4 stars). 4 submissions from 4 submitters: Pathogenic (1); Likely pathogenic (2). 1 of the submissions does not count toward it. Last evaluated 2023-08-29.

Conditions:
Hurler syndrome. Also called: MUCOPOLYSACCHARIDOSIS TYPE IH; Severe MPS I (Hurler Syndrome); Gargoylism, Hurler Syndrome. Identifiers: Orphanet 93473, MedGen C0086795, MONDO:0011758, OMIM 607014.
Mucopolysaccharidosis type 1. Also called: Mucopolysaccharidosis Type I; IDUA deficiency; MPS I. Identifiers: Orphanet 579, MedGen C0023786, MONDO:0001586.

Submissions (4):

Labcorp Genetics (formerly Invitae), Labcorp
Classification: Pathogenic for Mucopolysaccharidosis type 1. Last evaluated: 2023-08-29. Review status: criteria provided, single submitter. Criteria: Invitae Variant Classification Sherloc (09022015). Collection method: clinical testing. Allele origin: germline.
Comment: For these reasons, this variant has been classified as Pathogenic. This variant disrupts a region of the IDUA protein in which other variant(s) (p.Ser633Leu) have been determined to be pathogenic (PMID: 11735025, 16438163, 21480867, 26825088, 27146977). This suggests that this is a clinically significant region of the protein, and that variants that disrupt it are likely to be disease-causing. ClinVar contains an entry for this variant (Variation ID: 495733). This frameshift has been observed in individual(s) with Hurler syndrome (PMID: 21394825). This variant is not present in population databases (gnomAD no frequency). This sequence change results in a frameshift in the IDUA gene (p.Phe632Serfs*). While this is not anticipated to result in nonsense mediated decay, it is expected to disrupt the last 22 amino acid(s) of the IDUA protein and extend the protein by an uncertain number of additional amino acid residues.

Women's Health and Genetics/Laboratory Corporation of America, LabCorp
Classification: Likely pathogenic for Mucopolysaccharidosis type 1. Last evaluated: 2020-10-09. Review status: criteria provided, single submitter. Criteria: LabCorp Variant Classification Summary - May 2015. Collection method: clinical testing. Allele origin: germline.
Comment: Variant summary: IDUA c.1893delC (p.Phe632SerfsX77+) causes a frameshift which results in an extension of the protein. The variant was absent in 248970 control chromosomes (gnomAD). c.1893delC has been reported in the literature in individuals (compound heterozygous and homozygous) affected with Hurler syndrome - a severe form of Mucopolysaccharidosis Type 1 (Bertola_2011, Oussoren_2018). These data indicate that the variant may be associated with disease. To our knowledge, no experimental evidence demonstrating an impact on protein function has been reported. Two other ClinVar submitters (evaluation after 2014) cite the variant as likely pathogenic. Based on the evidence outlined above, the variant was classified as likely pathogenic.

Broad Center for Mendelian Genomics, Broad Institute of MIT and Harvard
Classification: Likely pathogenic for Mucopolysaccharidosis type 1. Last evaluated: 2020-01-22. Review status: criteria provided, single submitter. Criteria: ACMG Guidelines, 2015. Collection method: curation. Allele origin: germline. Inheritance: Autosomal recessive inheritance.
Comment: The p.Phe632Serfs variant in IDUA has been reported in at least 2 individuals with mucopolysaccharidosis (MPS) (PMID: 21394825, 29906569) and was absent from large population studies. This variant has been reported in ClinVar (VariationID: 495733) as likely pathogenic by Integrated Genetics. This variant is predicted to cause a frameshift, which alters the protein's amino acid sequence beginning at position 632. This termination codon occurs within the the last exon and is more likely to escape nonsense mediated decay (NMD) and result in a truncated protein. Loss of function of the IDUA gene is an established disease mechanism in autosomal recessive MPS. The presence of this variant in an affected homozygote increases the likelihood that the p.Phe632Serfs variant is pathogenic (PMID: 29906569). In summary, although additional studies are required to fully establish its clinical significance, this variant is likely pathogenic. ACMG/AMP Criteria applied: PVS1_strong, PM2, PM3_supporting (Richards 2015).

Counsyl
Classification: Likely pathogenic for Hurler syndrome. Last evaluated: 2017-07-25. Review status: no assertion criteria provided. Collection method: clinical testing. Allele origin: unknown. Not counted in ClinVar's aggregate classification.

Literature cited by the submitters: PubMed 11735025 (cited by Labcorp Genetics (formerly Invitae), Labcorp); PubMed 16438163 (cited by Labcorp Genetics (formerly Invitae), Labcorp); PubMed 21480867 (cited by Labcorp Genetics (formerly Invitae), Labcorp); PubMed 26825088 (cited by Labcorp Genetics (formerly Invitae), Labcorp); PubMed 27146977 (cited by Labcorp Genetics (formerly Invitae), Labcorp); PubMed 21394825 (cited by 3 submitters); PubMed 29906569 (cited by Women's Health and Genetics/Laboratory Corporation of America, LabCorp); PubMed 30083803 (cited by Women's Health and Genetics/Laboratory Corporation of America, LabCorp).

NM_000203.5(IDUA):c.1893del (p.Phe632fs)

Gene: IDUA (alpha-L-iduronidase; plus strand). Cytogenetic location: 4p16.3.
Variant type: Deletion.
Coding change: c.1893del on transcript NM_000203.5 (MANE Select); coding-DNA position 1893, one base deleted (C; older notation c.1893delC).
Protein change: p.Phe632fs; shifts the reading frame from phenylalanine 632.
Molecular consequence: frameshift variant. On other transcripts: non-coding transcript variant (1).
Genome position (GRCh38, 1-based): chr4:1,004,324, C deleted; the last of 4 consecutive C bases (chr4:1,004,321-1,004,324); deleting any one gives the same sequence. VCF-style (leftmost placement, unchanged base first): chr4-1004320-GC-G. GRCh37 (hg19) VCF-style: chr4-998108-GC-G.
Other names: c.1497del, p.Phe500fs (NM_001363576.1); short protein forms F500fs, F632fs.
Identifiers: ClinVar variation 495733 (VCV000495733.9), dbSNP rs1553917754, ClinGen allele CA658683377.
Genomic context (GRCh38, chr4:1,004,320, plus strand): 5'-ACACAGGTGCTGTCTCTGGCTCCTACCGAGTTCGAGCCCTGGACTACTGGGCCCGACCAG[GC>G]CCCTTCTCGGACCCTGTGCCGTACCTGGAGGTCCCTGTGCCAAGAGGGCCCCCATCCCCG-3'